The following is an entry in ClinVar:

ClinVar aggregate classification (germline): Uncertain significance. Review status: criteria provided, multiple submitters, no conflicts (2 of 4 stars). 2 submissions from 2 submitters: Uncertain significance (2). Last evaluated 2024-09-25.

Conditions:
Familial temporal lobe epilepsy 7. Identifiers: Orphanet 101046, MedGen C4225327, MONDO:0014639, OMIM 616436.
Norman-Roberts syndrome (LIS2). Also called: Lissencephaly 2 (Norman-Roberts type). Identifiers: Orphanet 89844, MedGen C0796089, MONDO:0009760, OMIM 257320.

Allele frequency attached by ClinVar (database versions not stated): gnomAD exomes 0.00002.
gnomAD v4.1: 29 of 1,614,084 alleles (0.0018%); highest among the groups gnomAD compares: Non-Finnish European, 0.0025%; no homozygotes.

Submissions (2):

Blueprint Genetics
Classification: Uncertain significance. Last evaluated: 2024-09-25. Review status: criteria provided, single submitter. Criteria: ACMG Guidelines, 2015. Collection method: clinical testing. Allele origin: germline.

Labcorp Genetics (formerly Invitae), Labcorp
Classification: Uncertain significance for Familial temporal lobe epilepsy 7; Norman-Roberts syndrome. Last evaluated: 2023-12-19. Review status: criteria provided, single submitter. Criteria: Invitae Variant Classification Sherloc (09022015). Collection method: clinical testing. Allele origin: germline.
Comment: This sequence change replaces isoleucine, which is neutral and non-polar, with valine, which is neutral and non-polar, at codon 1541 of the RELN protein (p.Ile1541Val). This variant is not present in population databases (gnomAD no frequency). This variant has not been reported in the literature in individuals affected with RELN-related conditions. Advanced modeling of protein sequence and biophysical properties (such as structural, functional, and spatial information, amino acid conservation, physicochemical variation, residue mobility, and thermodynamic stability) performed at Invitae indicates that this missense variant is not expected to disrupt RELN protein function with a negative predictive value of 80%. In summary, the available evidence is currently insufficient to determine the role of this variant in disease. Therefore, it has been classified as a Variant of Uncertain Significance.

NM_005045.4(RELN):c.4621A>G (p.Ile1541Val)

Gene: RELN (reelin; minus strand). Cytogenetic location: 7q22.1.
Variant type: single nucleotide variant.
Coding change: c.4621A>G on transcript NM_005045.4 (MANE Select); coding-DNA position 4621, A replaced by G.
Protein change: p.Ile1541Val; replaces isoleucine 1541 with valine.
Molecular consequence: missense variant.
Genome position (GRCh38, 1-based): chr7:103,566,727, T>C on the plus strand (A>G on the coding strand, the complement: RELN is on the minus strand). VCF-style: chr7-103566727-T-C. GRCh37 (hg19) VCF-style: chr7-103207174-T-C.
Other names: c.4621A>G, p.Ile1541Val (NM_173054.3); short protein forms I1541V.
Identifiers: ClinVar variation 2938416 (VCV002938416.4), dbSNP rs1032432056, ClinGen allele CA163914714.
Genomic context (GRCh38, chr7:103,566,727, plus strand): 5'-AAATGATCTGTGGTTCCAGGAAGGACATGAAGTCCAACTCTCGAAGCAAATGCCAGAGTA[T>C]CCCATTGTCATTTGAATACTGAACAATAAGCCCTGAGTTAAAAGACATAAATCCAGTTAT-3'
Protein context (NP_005036.2, residues 1531-1551): LIVQYSNDNG[Ile1541Val]LWHLLRELDF